The following is an entry in ClinVar:

NM_000303.3(PMM2):c.191A>C (p.Tyr64Ser)

Gene: PMM2 (phosphomannomutase 2; plus strand). Cytogenetic location: 16p13.2.
Variant type: single nucleotide variant.
Coding change: c.191A>C on transcript NM_000303.3 (MANE Select); coding-DNA position 191, A replaced by C.
Protein change: p.Tyr64Ser; replaces tyrosine 64 with serine.
Molecular consequence: missense variant.
Genome position (GRCh38, 1-based): chr16:8,804,779, A>C. VCF-style: chr16-8804779-A-C. GRCh37 (hg19) VCF-style: chr16-8898636-A-C.
Other names: short protein forms Y64S.
Identifiers: ClinVar variation 2198902 (VCV002198902.3), dbSNP rs143276864, ClinGen allele CA277488372.
Genomic context (GRCh38, chr16:8,804,779, plus strand): 5'-AGGTTTTGATTCTTTGCATTCTAAGTGTTTTTTTGGTTTTGATTGTAGTGGTTGAAAAAT[A>C]CGATTATGTGTTTCCAGAAAATGGCTTGGTAGCATACAAAGATGGGAAACTCTTGTGTAG-3'
Protein context (NP_000294.1, residues 54-74): EQLGNDVVEK[Tyr64Ser]DYVFPENGLV

ClinVar aggregate classification (germline): Conflicting classifications of pathogenicity. Review status: criteria provided, conflicting classifications (1 of 4 stars). 3 submissions from 3 submitters: Likely pathogenic (1); Uncertain significance (2). Last evaluated 2024-06-11.

Conditions:
PMM2-related disorder. Also called: PMM2-related condition.
PMM2-congenital disorder of glycosylation. Also called: CDG Ia; PMM2-CDG; JAEKEN SYNDROME; PHOSPHOMANNOMUTASE 2 DEFICIENCY; CARBOHYDRATE-DEFICIENT GLYCOPROTEIN SYNDROME, TYPE Ia; Congenital disorder of glycosylation, type Ia. Identifiers: Orphanet 79318, MedGen C0349653, MONDO:0008907, OMIM 212065.

Allele frequency attached by ClinVar (database versions not stated): gnomAD exomes 0.00002; TOPMed 0.00002; gnomAD 0.00003; ESP Exome Variant Server 0.00008.
gnomAD v4.1: 33 of 1,612,508 alleles (0.002%); highest among the groups gnomAD compares: Non-Finnish European, 0.0028%; no homozygotes.

Submissions (3):

Fulgent Genetics
Classification: Uncertain significance for PMM2-congenital disorder of glycosylation. Last evaluated: 2024-06-11. Review status: criteria provided, single submitter. Criteria: ACMG Guidelines, 2015. Collection method: clinical testing. Allele origin: germline.

Blueprint Genetics
Classification: Likely pathogenic for PMM2-related disorders. Last evaluated: 2023-02-03. Review status: criteria provided, single submitter. Criteria: ACMG Guidelines, 2015. Collection method: clinical testing. Allele origin: germline. Affected: yes. Observed: 3 variant alleles.

Labcorp Genetics (formerly Invitae), Labcorp
Classification: Uncertain significance for PMM2-congenital disorder of glycosylation. Last evaluated: 2022-03-19. Review status: criteria provided, single submitter. Criteria: Invitae Variant Classification Sherloc (09022015). Collection method: clinical testing. Allele origin: germline.
Comment: This sequence change replaces tyrosine, which is neutral and polar, with serine, which is neutral and polar, at codon 64 of the PMM2 protein (p.Tyr64Ser). This variant is present in population databases (rs143276864, gnomAD 0.0009%). This variant has not been reported in the literature in individuals affected with PMM2-related conditions. Advanced modeling of protein sequence and biophysical properties (such as structural, functional, and spatial information, amino acid conservation, physicochemical variation, residue mobility, and thermodynamic stability) performed at Invitae indicates that this missense variant is expected to disrupt PMM2 protein function. In summary, the available evidence is currently insufficient to determine the role of this variant in disease. Therefore, it has been classified as a Variant of Uncertain Significance.